The following is an entry in ClinVar:

NM_001329630.2(PLEKHA7):c.627C>G (p.Ile209Met)

Gene: PLEKHA7 (pleckstrin homology domain containing A7; minus strand). Cytogenetic location: 11p15.2.
Variant type: single nucleotide variant.
Coding change: c.627C>G on transcript NM_001329630.2 (MANE Select); coding-DNA position 627, C replaced by G.
Protein change: p.Ile209Met; replaces isoleucine 209 with methionine.
Molecular consequence: missense variant.
Genome position (GRCh38, 1-based): chr11:16,851,260, G>C on the plus strand (C>G on the coding strand, the complement: PLEKHA7 is on the minus strand). VCF-style: chr11-16851260-G-C. GRCh37 (hg19) VCF-style: chr11-16872807-G-C.
Other names: c.627C>G, p.Ile209Met (NM_001329631.2, NM_001410960.1, NM_175058.5); short protein forms I209M.
Identifiers: ClinVar variation 3034133 (VCV003034133.2), dbSNP rs529428249, ClinGen allele CA5899702.
Genomic context (GRCh38, chr11:16,851,260, plus strand): 5'-ATATTTGCGGCTTATGCGATCCTCAGGGGCCACAGGAGAGATCACGTAGCTGGGCAAGGG[G>C]ATGCTCCCGAGGACCGCTTCTTCTCGGCTGTCTTTGAATGGAAAAATGCATCAGAACAAC-3'
Protein context (NP_001316559.1, residues 199-219): DSREEAVLGS[Ile209Met]PLPSYVISPV

ClinVar aggregate classification (germline): Benign (0 of 4 stars; one submission).

Conditions:
PLEKHA7-related disorder. Also called: PLEKHA7-related condition.

Allele frequency attached by ClinVar (database versions not stated): gnomAD exomes 0.00009; gnomAD 0.00021; TOPMed 0.00032; ExAC 0.00046; 1000 Genomes Project 30x 0.00156; 1000 Genomes Project 0.00160.
gnomAD v4.1: 173 of 1,611,844 alleles (0.011%); highest among the groups gnomAD compares: East Asian, 0.35%; no homozygotes.

Submission:

PreventionGenetics, part of Exact Sciences
Classification: Benign for PLEKHA7-related condition. Last evaluated: 2024-07-25. Review status: no assertion criteria provided. Collection method: clinical testing. Allele origin: germline.
Comment: This variant is classified as benign based on ACMG/AMP sequence variant interpretation guidelines (Richards et al. 2015 PMID: 25741868, with internal and published modifications).